The following is an entry in ClinVar:

NM_001330078.2(NRXN1):c.*13A>C

Gene: NRXN1 (neurexin 1; minus strand). Cytogenetic location: 2p16.3.
Variant type: single nucleotide variant.
Coding change: c.*13A>C on transcript NM_001330078.2 (MANE Select); 13 bases downstream of the stop codon, A replaced by C.
Molecular consequence: 3 prime UTR variant.
Genome position (GRCh38, 1-based): chr2:49,921,931, T>G on the plus strand (A>C on the coding strand, the complement: NRXN1 is on the minus strand). VCF-style: chr2-49921931-T-G. GRCh37 (hg19) VCF-style: chr2-50149069-T-G.
Other names: c.*13A>C (NM_001135659.3, NM_001320156.4, NM_001320157.4 and 17 more transcripts).
Identifiers: ClinVar variation 387540 (VCV000387540.1), dbSNP rs199777715, ClinGen allele CA1654200.

ClinVar aggregate classification (germline): Likely benign (1 of 4 stars; one submission).

Allele frequency attached by ClinVar (database versions not stated): TOPMed below 0.00001; gnomAD exomes 0.00001 and 0.00002; ExAC 0.00002.
gnomAD v4.1: 18 of 1,613,178 alleles (0.0011%); highest among the groups gnomAD compares: Admixed American, 0.0067%; no homozygotes.

Submission:

GeneDx
Classification: Likely benign. Last evaluated: 2016-07-12. Review status: criteria provided, single submitter. Criteria: GeneDx Variant Classification (06012015). Collection method: clinical testing. Allele origin: germline. Affected: yes.
Comment: This variant is considered likely benign or benign based on one or more of the following criteria: it is a conservative change, it occurs at a poorly conserved position in the protein, it is predicted to be benign by multiple in silico algorithms, and/or has population frequency not consistent with disease.